The following is an entry in ClinVar:

NM_002857.4(PEX19):c.161C>T (p.Ser54Leu)

Gene: PEX19 (peroxisomal biogenesis factor 19; minus strand). Cytogenetic location: 1q23.2.
Variant type: single nucleotide variant.
Coding change: c.161C>T on transcript NM_002857.4 (MANE Select); coding-DNA position 161, C replaced by T.
Protein change: p.Ser54Leu; replaces serine 54 with leucine.
Molecular consequence: missense variant. On other transcripts: non-coding transcript variant (1).
Genome position (GRCh38, 1-based): chr1:160,283,549, G>A on the plus strand (C>T on the coding strand, the complement: PEX19 is on the minus strand). VCF-style: chr1-160283549-G-A. GRCh37 (hg19) VCF-style: chr1-160253339-G-A.
Other names: c.161C>T, p.Ser54Leu (NM_001193644.1); c.161C>T (NM_002857.3); short protein forms S54L.
Identifiers: ClinVar variation 1521989 (VCV001521989.10), dbSNP rs1657873534, ClinGen allele CA343264398.
Genomic context (GRCh38, chr1:160,283,549, plus strand): 5'-GCCCATCCCCTCCCCATCCCTTAAGGGGGTGGAATTTATACTTTGGCAGTGTCTCCTGGC[G>A]ATCTCTTCTGGGGCCCCGAAGCATCAGGGGCCGTGGTGGTAGAAGGGGGTGCTGGGGAGG-3'
Protein context (NP_002848.1, residues 44-64): APDASGPQKR[Ser54Leu]PGDTAKDALF

ClinVar aggregate classification (germline): Pathogenic/Likely pathogenic. Review status: criteria provided, multiple submitters, no conflicts (2 of 4 stars). 3 submissions from 3 submitters: Pathogenic (2); Likely pathogenic (1). Last evaluated 2026-07-06.

Conditions:
Peroxisome biogenesis disorder 12A (Zellweger). Also called: Peroxisome biogenesis disorder 12A. Identifiers: Orphanet 912, MedGen C3554002, MONDO:0013951, OMIM 614886.
PEX19-related disorder. Also called: PEX19-related condition.
Peroxisome biogenesis disorder. Identifiers: Orphanet 79189, MedGen C1832200, MONDO:0019234. Disease mechanism: loss of function.

Allele frequency attached by ClinVar (database versions not stated): gnomAD exomes below 0.00001.
gnomAD v4.1: 3 of 1,612,724 alleles (0.00019%); highest among the groups gnomAD compares: African/African-American, 0.0013%; no homozygotes.

Submissions (3):

PreventionGenetics, part of Exact Sciences
Classification: Likely pathogenic for PEX19-related condition. Last evaluated: 2026-07-06. Review status: criteria provided, single submitter. Criteria: ACMG Guidelines, 2015. Collection method: clinical testing. Allele origin: germline.
Comment: The PEX19 c.161C>T variant is predicted to result in the amino acid substitution p.Ser54Leu. This variant has been reported in the homozygous state in an individual with peroxisomal biogenesis disorder 12A (Zellweger) (PBD12A) and was shown to segregate with PBD12A affected siblings (Alshenaifi et al 2019. PubMed ID: 30561787). RT-PCR analysis demonstrates this variant affects mRNA splicing (Alshenaifi et al. 2019. PubMed ID: 30561787; Maddirevula et al. 2020. PubMed ID: 32552793). This variant has not been reported in a large population database (gnomAD), indicating this variant is rare and is interpreted as pathogenic in ClinVar (Variation ID: 1521989). This variant is interpreted as likely pathogenic.

Labcorp Genetics (formerly Invitae), Labcorp
Classification: Pathogenic for Peroxisome biogenesis disorder 12A (Zellweger). Last evaluated: 2025-09-02. Review status: criteria provided, single submitter. Criteria: Invitae Variant Classification Sherloc (09022015). Collection method: clinical testing. Allele origin: germline.
Comment: This sequence change replaces serine, which is neutral and polar, with leucine, which is neutral and non-polar, at codon 54 of the PEX19 protein (p.Ser54Leu). This variant is not present in population databases (gnomAD no frequency). This missense change has been observed in individual(s) with Zellweger spectrum disorder (PMID: 30561787). It has also been observed to segregate with disease in related individuals. ClinVar contains an entry for this variant (Variation ID: 1521989). An algorithm developed to predict the effect of missense changes on protein structure and function (PolyPhen-2) suggests that this variant is likely to be tolerated. For these reasons, this variant has been classified as Pathogenic.

Women's Health and Genetics/Laboratory Corporation of America, LabCorp
Classification: Pathogenic for Peroxisome biogenesis disorder. Last evaluated: 2025-03-07. Review status: criteria provided, single submitter. Criteria: LabCorp Variant Classification Summary - May 2015. Collection method: clinical testing. Allele origin: germline.
Comment: Variant summary: PEX19 c.161C>T (p.Ser54Leu) results in a non-conservative amino acid change in the encoded protein sequence. Three of five in-silico tools predict a benign effect of the variant on protein function. At least one publication reports experimental evidence from RT-PCR studies showing that this variant affects mRNA splicing (e.g., Maddirevula_2020). The variant was absent in 251238 control chromosomes. c.161C>T has been reported in the literature in multiple individuals affected with Peroxisome Biogenesis Disorders, Zellweger Syndrome Spectrum and has been shown to segregate with disease in at least one family (e.g., Alshenaifi_2019). The following publications have been ascertained in the context of this evaluation (PMID: 30561787, 32552793). ClinVar contains an entry for this variant (Variation ID: 1521989). Based on the evidence outlined above, the variant was classified as pathogenic.

Literature cited by the submitters: PubMed 30561787 (cited by Labcorp Genetics (formerly Invitae), Labcorp and Women's Health and Genetics/Laboratory Corporation of America, LabCorp); PubMed 32552793 (cited by Women's Health and Genetics/Laboratory Corporation of America, LabCorp).